The following is an entry in ClinVar:

NM_001010892.3(RSPH4A):c.1082G>T (p.Gly361Val)

Gene: RSPH4A (radial spoke head component 4A; plus strand). Cytogenetic location: 6q22.1.
Variant type: single nucleotide variant.
Coding change: c.1082G>T on transcript NM_001010892.3 (MANE Select); coding-DNA position 1082, G replaced by T.
Protein change: p.Gly361Val; replaces glycine 361 with valine.
Molecular consequence: missense variant.
Genome position (GRCh38, 1-based): chr6:116,627,789, G>T. VCF-style: chr6-116627789-G-T. GRCh37 (hg19) VCF-style: chr6-116948952-G-T.
Other names: c.1082G>T, p.Gly361Val (NM_001161664.2); short protein forms G361V.
Identifiers: ClinVar variation 838556 (VCV000838556.10), dbSNP rs757303224, ClinGen allele CA3970894.

ClinVar aggregate classification (germline): Conflicting classifications of pathogenicity. Review status: criteria provided, conflicting classifications (1 of 4 stars). 2 submissions from 2 submitters: Pathogenic (1); Uncertain significance (1). Last evaluated 2025-10-02.

Conditions:
Primary ciliary dyskinesia. Also called: Ciliary dyskinesia. Identifiers: Orphanet 244, MedGen C0008780, MONDO:0016575, HP:0012265.

Allele frequency attached by ClinVar (database versions not stated): TOPMed below 0.00001; gnomAD 0.00001.
gnomAD v4.1: 28 of 1,614,008 alleles (0.0017%); highest among the groups gnomAD compares: Non-Finnish European, 0.0023%; no homozygotes.

Submissions (2):

Ambry Genetics
Classification: Uncertain significance for Primary ciliary dyskinesia. Last evaluated: 2025-10-02. Review status: criteria provided, single submitter. Criteria: Ambry Variant Classification Scheme 2023. Collection method: clinical testing. Allele origin: germline.

Labcorp Genetics (formerly Invitae), Labcorp
Classification: Pathogenic for Primary ciliary dyskinesia. Last evaluated: 2024-02-24. Review status: criteria provided, single submitter. Criteria: Invitae Variant Classification Sherloc (09022015). Collection method: clinical testing. Allele origin: germline.
Comment: This sequence change replaces glycine, which is neutral and non-polar, with valine, which is neutral and non-polar, at codon 361 of the RSPH4A protein (p.Gly361Val). This variant is present in population databases (rs757303224, gnomAD 0.002%). This missense change has been observed in individual(s) with clinical features of primary ciliary dyskinesia (Invitae). In at least one individual the data is consistent with being in trans (on the opposite chromosome) from a pathogenic variant. It has also been observed to segregate with disease in related individuals. ClinVar contains an entry for this variant (Variation ID: 838556). Advanced modeling of protein sequence and biophysical properties (such as structural, functional, and spatial information, amino acid conservation, physicochemical variation, residue mobility, and thermodynamic stability) performed at Invitae indicates that this missense variant is expected to disrupt RSPH4A protein function with a positive predictive value of 80%. For these reasons, this variant has been classified as Pathogenic.